The following is an entry in ClinVar:

ClinVar aggregate classification (germline): Uncertain significance (1 of 4 stars; one submission).

Allele frequency attached by ClinVar (database versions not stated): gnomAD exomes below 0.00001; ExAC 0.00002; gnomAD 0.00005; ESP Exome Variant Server 0.00008; TOPMed 0.00008.
gnomAD v4.1: 14 of 1,552,524 alleles (0.0009%); highest among the groups gnomAD compares: African/African-American, 0.011%; no homozygotes.

Submission:

Labcorp Genetics (formerly Invitae), Labcorp
Classification: Uncertain significance. Last evaluated: 2022-02-01. Review status: criteria provided, single submitter. Criteria: Invitae Variant Classification Sherloc (09022015). Collection method: clinical testing. Allele origin: germline.
Comment: This sequence change falls in intron 6 of the PMPCB gene. It does not directly change the encoded amino acid sequence of the PMPCB protein. This variant is present in population databases (rs376842569, gnomAD 0.01%). This variant has not been reported in the literature in individuals affected with PMPCB-related conditions. Algorithms developed to predict the effect of sequence changes on RNA splicing suggest that this variant may disrupt the consensus splice site. In summary, the available evidence is currently insufficient to determine the role of this variant in disease. Therefore, it has been classified as a Variant of Uncertain Significance.

NM_004279.3(PMPCB):c.737-6A>G

Gene: PMPCB (peptidase, mitochondrial processing subunit beta; plus strand). Cytogenetic location: 7q22.1.
Variant type: single nucleotide variant.
Coding change: c.737-6A>G on transcript NM_004279.3 (MANE Select); 6 bases into the intron before coding-DNA position 737, A replaced by G.
Molecular consequence: intron variant.
Genome position (GRCh38, 1-based): chr7:103,307,590, A>G. VCF-style: chr7-103307590-A-G. GRCh37 (hg19) VCF-style: chr7-102948037-A-G.
Identifiers: ClinVar variation 2421821 (VCV002421821.3), dbSNP rs376842569, ClinGen allele CA4418067.